The following continues an entry in ClinVar:

NM_024426.6(WT1):c.1388G>A (p.Arg463Gln)

Gene: WT1. ClinVar aggregate classification (germline): Conflicting classifications of pathogenicity. Pathogenic (6); Likely pathogenic (2); Uncertain significance (3).

Submissions 9 to 12 of 12:

Fulgent Genetics
Classification: Pathogenic for Aniridia 1; Frasier syndrome; Mesothelioma, malignant; Wilms tumor 1; 11p partial monosomy syndrome; Drash syndrome; Nephrotic syndrome, type 4; Meacham syndrome. Last evaluated: 2021-06-30. Review status: criteria provided, single submitter. Criteria: ACMG Guidelines, 2015. Collection method: clinical testing. Allele origin: unknown.
Comment: This variant has been detected in individual(s) who were sent for testing of Renasight - kidney gene panel.

UNC Molecular Genetics  Laboratory, University of North Carolina at Chapel Hill
Classification: Uncertain significance for Focal segmental glomerulosclerosis. Last evaluated: 2019-05-15. Review status: criteria provided, single submitter. Criteria: ACMG Guidelines, 2015. Collection method: clinical testing. Allele origin: germline. Affected: yes. Observed: 2 heterozygotes.

Neuberg Centre For Genomic Medicine, NCGM
Classification: Pathogenic for Drash syndrome. Review status: criteria provided, single submitter. Criteria: ACMG Guidelines, 2015. Collection method: clinical testing. Allele origin: germline. Inheritance: Autosomal dominant inheritance. Affected: yes.
Comment: The missense variant c.1388G>A (p.Arg463Gln) in WT1 has alternately been reported as p.Arg458Gln in unrelated patients with disorder of sex development, focal segmental glomerulosclerosis and steroid resistant nephrotic syndrome (Baxter et al. 2015, Hall et al. 2015, Varner et al. 2018, Sadowski et al. 2015). Functional studies revealed a damaging effect. (Hall et al. 2015). The p.Arg463Gln variant is novel (not in any individuals) in gnomAD Exomes and 1000 Genomes. The p.Arg463Gln variant has been reported to the ClinVar database with conflicting interpretations of pathogenicity as Pathogenic/Uncertain Significance. The amino acid Arg at position 463 is changed to a Gln changing protein sequence and it might alter its composition and physico-chemical properties. The p.Arg463Gln variant is predicted to be damaging by both SIFT and PolyPhen2. The residue is conserved across species. The amino acid change p.Arg463Gln in WT1 is predicted as conserved by GERP++ and PhyloP across 100 vertebrates. For these reasons, this variant has been classified as Pathogenic.

Bioscientia Institut fuer Medizinische Diagnostik GmbH, Sonic Healthcare
Classification: Pathogenic for Nephrotic syndrome, type 4. Last evaluated: 2018-03-27. Review status: no assertion criteria provided. Collection method: clinical testing. Allele origin: germline. Affected: yes. Not counted in ClinVar's aggregate classification.

Literature cited by the submitters: PubMed 25145932 (cited by 4 submitters); PubMed 25383892 (cited by 4 submitters); PubMed 30406062 (cited by Labcorp Genetics (formerly Invitae), Labcorp and All of Us Research Program, National Institutes of Health); PubMed 33226606 (cited by Labcorp Genetics (formerly Invitae), Labcorp and All of Us Research Program, National Institutes of Health); PubMed 34386660 (cited by Labcorp Genetics (formerly Invitae), Labcorp); PubMed 38219185 (cited by 3 submitters); PubMed 34727091 (cited by Victorian Clinical Genetics Services, Murdoch Childrens Research Institute and All of Us Research Program, National Institutes of Health); PubMed 32352694 (cited by Victorian Clinical Genetics Services, Murdoch Childrens Research Institute); PubMed 25349199 (cited by All of Us Research Program, National Institutes of Health and UNC Molecular Genetics  Laboratory, University of North Carolina at Chapel Hill).